The following is an entry in ClinVar:

ClinVar aggregate classification (germline): Uncertain significance (1 of 4 stars; one submission).

Conditions:
Neuroblastoma, susceptibility to, 3. Also called: ALK-Related Neuroblastic Tumor Susceptibility. Identifiers: Orphanet 635, MedGen C2751681, MONDO:0013083, OMIM 613014.

Submission:

Labcorp Genetics (formerly Invitae), Labcorp
Classification: Uncertain significance for Neuroblastoma, susceptibility to, 3. Last evaluated: 2025-05-20. Review status: criteria provided, single submitter. Criteria: Invitae Variant Classification Sherloc (09022015). Collection method: clinical testing. Allele origin: germline.
Comment: This sequence change creates a premature translational stop signal (p.Glu1077Glyfs*4) in the ALK gene. It is expected to result in an absent or disrupted protein product. However, the current clinical and genetic evidence is not sufficient to establish whether loss-of-function variants in ALK cause disease. This variant is not present in population databases (gnomAD no frequency). This variant has not been reported in the literature in individuals affected with ALK-related conditions. In summary, the available evidence is currently insufficient to determine the role of this variant in disease. Therefore, it has been classified as a Variant of Uncertain Significance.

NM_004304.5(ALK):c.3230del (p.Glu1077fs)

Gene: ALK (ALK receptor tyrosine kinase; minus strand). Cytogenetic location: 2p23.2.
Variant type: Deletion.
Coding change: c.3230del on transcript NM_004304.5 (MANE Select); coding-DNA position 3230, one base deleted (A; older notation c.3230delA).
Protein change: p.Glu1077fs; shifts the reading frame from glutamic acid 1077.
Molecular consequence: frameshift variant.
Genome position (GRCh38, 1-based): chr2:29,223,471, T deleted on the plus strand (A on the coding strand, the reverse complement: ALK is on the minus strand). VCF-style (leftmost placement, unchanged base first): chr2-29223470-CT-C. GRCh37 (hg19) VCF-style: chr2-29446336-CT-C.
Other names: c.26del, p.Glu9fs (NM_001353765.2); short protein forms E9fs, E1077fs.
Identifiers: ClinVar variation 4777180 (VCV004777180.1).